The following is an entry in ClinVar:

ClinVar aggregate classification (germline): Uncertain significance (1 of 4 stars; one submission).

Conditions:
Familial isolated arrhythmogenic right ventricular dysplasia. Identifiers: Orphanet 217656, MedGen C4274968, MONDO:0016342.

gnomAD v4.1: 1 of 1,613,822 alleles (0.000062%); highest among the groups gnomAD compares: Non-Finnish European, 0.000085%; no homozygotes.

Submission:

All of Us Research Program, National Institutes of Health
Classification: Uncertain significance for Familial isolated arrhythmogenic right ventricular dysplasia. Last evaluated: 2024-03-05. Review status: criteria provided, single submitter. Criteria: ACMG Guidelines, 2015. Collection method: clinical testing. Allele origin: germline. Inheritance: Autosomal dominant inheritance. Observed: 1 variant allele, 1 heterozygote.
Comment: This study involves interpretation of variants in research participants for the purpose of population health screening. Participant phenotype was not available at the time of variant classification. Additional details can be found in publication PMID: 35346344, PMCID: PMC8962531

NM_024422.6(DSC2):c.615G>C (p.Gln205His)

Gene: DSC2 (desmocollin 2; minus strand). Cytogenetic location: 18q12.1.
Variant type: single nucleotide variant.
Coding change: c.615G>C on transcript NM_024422.6 (MANE Select); coding-DNA position 615, G replaced by C.
Protein change: p.Gln205His; replaces glutamine 205 with histidine.
Molecular consequence: missense variant.
Genome position (GRCh38, 1-based): chr18:31,089,454, C>G on the plus strand (G>C on the coding strand, the complement: DSC2 is on the minus strand). VCF-style: chr18-31089454-C-G. GRCh37 (hg19) VCF-style: chr18-28669417-C-G.
Other names: c.186G>C, p.Gln62His (NM_001406506.1, NM_001406507.1); c.615G>C, p.Gln205His (NM_004949.5); short protein forms Q205H, Q62H.
Identifiers: ClinVar variation 3386545 (VCV003386545.1).
Genomic context (GRCh38, chr18:31,089,454, plus strand): 5'-CAAGCATCATCATTGCTAATACAGTACACACATTTTAGACTTTACCTCAAAAGATTCATA[C>G]TGCTCACGATCTACAGGACGAGTACAATACAAGTTTCCAGTGTCTCTCTCCACATAAAAT-3'
Protein context (NP_077740.1, residues 195-215): LYCTRPVDRE[Gln205His]YESFEIIAFA